The following is an entry in ClinVar:

ClinVar aggregate classification (germline): Pathogenic. Review status: criteria provided, multiple submitters, no conflicts (2 of 4 stars). 2 submissions from 2 submitters: Pathogenic (2). Last evaluated 2023-04-03.

Conditions:
Werner syndrome (WRN). Identifiers: Orphanet 902, MedGen C0043119, MONDO:0010196, OMIM 277700.

Submissions (2):

Baylor Genetics
Classification: Pathogenic for Werner syndrome. Last evaluated: 2023-04-03. Review status: criteria provided, single submitter. Criteria: ACMG Guidelines, 2015. Collection method: clinical testing. Allele origin: unknown.

Labcorp Genetics (formerly Invitae), Labcorp
Classification: Pathogenic for Werner syndrome. Last evaluated: 2021-11-25. Review status: criteria provided, single submitter. Criteria: Invitae Variant Classification Sherloc (09022015). Collection method: clinical testing. Allele origin: germline.
Comment: For these reasons, this variant has been classified as Pathogenic. ClinVar contains an entry for this variant (Variation ID: 653140). This premature translational stop signal has been observed in individual(s) with Werner syndrome (PMID: 16673358). This variant is not present in population databases (gnomAD no frequency). This sequence change creates a premature translational stop signal (p.Tyr57*) in the WRN gene. It is expected to result in an absent or disrupted protein product. Loss-of-function variants in WRN are known to be pathogenic (PMID: 16673358).

Literature cited by the submitters: PubMed 16673358 (cited by Labcorp Genetics (formerly Invitae), Labcorp).

NM_000553.6(WRN):c.171C>G (p.Tyr57Ter)

Gene: WRN (WRN RecQ like helicase; plus strand). Cytogenetic location: 8p12.
Variant type: single nucleotide variant.
Coding change: c.171C>G on transcript NM_000553.6 (MANE Select); coding-DNA position 171, C replaced by G.
Protein change: p.Tyr57Ter; replaces tyrosine 57 with a stop codon.
Molecular consequence: nonsense.
Genome position (GRCh38, 1-based): chr8:31,059,227, C>G. VCF-style: chr8-31059227-C-G. GRCh37 (hg19) VCF-style: chr8-30916743-C-G.
Other names: short protein forms Y57*.
Identifiers: ClinVar variation 653140 (VCV000653140.6), dbSNP rs373806031, ClinGen allele CA370912606.
Genomic context (GRCh38, chr8:31,059,227, plus strand): 5'-GAGTGTTTTTGAAGATGACCTCCCCTTCTTAGAATTCACTGGATCCATTGTGTATAGTTA[C>G]GATGCTAGTGATTGCTCTTTCCTGTCAGAAGATATTAGGTAAGTGATTTGAATTTCCTGA-3'